The following is an entry in ClinVar:

NM_001256864.2(DNAJC6):c.2228-3T>C

Gene: DNAJC6 (DnaJ heat shock protein family (Hsp40) member C6; plus strand). Cytogenetic location: 1p31.3.
Variant type: single nucleotide variant.
Coding change: c.2228-3T>C on transcript NM_001256864.2 (MANE Select); 3 bases into the intron before coding-DNA position 2228, T replaced by C.
Molecular consequence: intron variant.
Genome position (GRCh38, 1-based): chr1:65,405,867, T>C. VCF-style: chr1-65405867-T-C. GRCh37 (hg19) VCF-style: chr1-65871550-T-C.
Other names: c.2018-3T>C (NM_001256865.2); c.2057-3T>C (NM_014787.4).
Identifiers: ClinVar variation 648740 (VCV000648740.8), dbSNP rs753885398, ClinGen allele CA894127.

ClinVar aggregate classification (germline): Uncertain significance (1 of 4 stars; one submission).

Conditions:
Juvenile onset Parkinson disease 19A. Also called: PARK19; DNAJC6 Parkinson Disease. Identifiers: Orphanet 391411, MedGen C3809811, MONDO:0014231, OMIM 615528.

Allele frequency attached by ClinVar (database versions not stated): gnomAD 0.00001; TOPMed 0.00004; gnomAD exomes 0.00002 and 0.00003; ExAC 0.00004.
gnomAD v4.1: 10 of 1,591,494 alleles (0.00063%); highest among the groups gnomAD compares: Admixed American, 0.018%; no homozygotes.

Submission:

Labcorp Genetics (formerly Invitae), Labcorp
Classification: Uncertain significance for Juvenile onset Parkinson disease 19A. Last evaluated: 2018-09-24. Review status: criteria provided, single submitter. Criteria: Invitae Variant Classification Sherloc (09022015). Collection method: clinical testing. Allele origin: germline.
Comment: This sequence change falls in intron 15 of the DNAJC6 gene. It does not directly change the encoded amino acid sequence of the DNAJC6 protein, but it affects a nucleotide within the consensus splice site of the intron. This variant is present in population databases (rs753885398, ExAC 0.03%). This variant has not been reported in the literature in individuals with DNAJC6-related disease. Nucleotide substitutions within the consensus splice site are a relatively common cause of aberrant splicing (PMID: 17576681, 9536098). Algorithms developed to predict the effect of sequence changes on RNA splicing suggest that this variant is not likely to affect RNA splicing, but this prediction has not been confirmed by published transcriptional studies. In summary, the available evidence is currently insufficient to determine the role of this variant in disease. Therefore, it has been classified as a Variant of Uncertain Significance.

Literature cited by the submitters: PubMed 17576681; PubMed 9536098.